The following is an entry in ClinVar:

ClinVar aggregate classification (germline): Uncertain significance (1 of 4 stars; one submission).

Allele frequency attached by ClinVar (database versions not stated): ExAC 0.00002; gnomAD exomes 0.00002; TOPMed 0.00002; gnomAD 0.00003 and 0.00004; ESP Exome Variant Server 0.00008.
gnomAD v4.1: 21 of 1,613,970 alleles (0.0013%); highest among the groups gnomAD compares: African/African-American, 0.0053%; no homozygotes.

Submission:

Labcorp Genetics (formerly Invitae), Labcorp
Classification: Uncertain significance. Last evaluated: 2022-06-03. Review status: criteria provided, single submitter. Criteria: Invitae Variant Classification Sherloc (09022015). Collection method: clinical testing. Allele origin: germline.
Comment: This sequence change replaces arginine, which is basic and polar, with glutamine, which is neutral and polar, at codon 752 of the CEP250 protein (p.Arg752Gln). This variant is present in population databases (rs376106638, gnomAD 0.008%). This variant has not been reported in the literature in individuals affected with CEP250-related conditions. ClinVar contains an entry for this variant (Variation ID: 1056740). Algorithms developed to predict the effect of missense changes on protein structure and function output the following: SIFT: "Not Available"; PolyPhen-2: "Possibly Damaging"; Align-GVGD: "Not Available". The glutamine amino acid residue is found in multiple mammalian species, which suggests that this missense change does not adversely affect protein function. In summary, the available evidence is currently insufficient to determine the role of this variant in disease. Therefore, it has been classified as a Variant of Uncertain Significance.

NM_007186.6(CEP250):c.2255G>A (p.Arg752Gln)

Genes: CEP250 (centrosomal protein 250; plus strand), CEP250-AS1 (CEP250 antisense RNA 1; minus strand). Cytogenetic location: 20q11.22.
Variant type: single nucleotide variant.
Coding change: c.2255G>A on transcript NM_007186.6 (MANE Select); coding-DNA position 2255, G replaced by A.
Protein change: p.Arg752Gln; replaces arginine 752 with glutamine.
Molecular consequence: missense variant.
Genome position (GRCh38, 1-based): chr20:35,479,391, G>A. VCF-style: chr20-35479391-G-A. GRCh37 (hg19) VCF-style: chr20-34067216-G-A.
Other names: c.359G>A, p.Arg120Gln (NM_001318219.1); short protein forms R120Q, R752Q.
Identifiers: ClinVar variation 1056740 (VCV001056740.6), dbSNP rs376106638, ClinGen allele CA9833138.